The following is an entry in ClinVar:

NM_001033044.4(GLUL):c.679C>T (p.Arg227Cys)

Gene: GLUL (glutamate-ammonia ligase; minus strand). Cytogenetic location: 1q25.3.
Variant type: single nucleotide variant.
Coding change: c.679C>T on transcript NM_001033044.4 (MANE Select); coding-DNA position 679, C replaced by T.
Protein change: p.Arg227Cys; replaces arginine 227 with cysteine.
Molecular consequence: missense variant.
Genome position (GRCh38, 1-based): chr1:182,385,481, G>A on the plus strand (C>T on the coding strand, the complement: GLUL is on the minus strand). VCF-style: chr1-182385481-G-A. GRCh37 (hg19) VCF-style: chr1-182354616-G-A.
Other names: c.679C>T, p.Arg227Cys (NM_001033056.4, NM_002065.7); short protein forms R227C.
Identifiers: ClinVar variation 1963505 (VCV001963505.5), dbSNP rs759775484, ClinGen allele CA1277064.

ClinVar aggregate classification (germline): Uncertain significance (1 of 4 stars; one submission).

Conditions:
Congenital brain dysgenesis due to glutamine synthetase deficiency (GLND). Also called: GLUTAMINE SYNTHASE DEFICIENCY, CONGENITAL SYSTEMIC. Identifiers: Orphanet 71278, MedGen C1864910, MONDO:0012393, OMIM 610015.

Allele frequency attached by ClinVar (database versions not stated): gnomAD 0.00001; ExAC 0.00002; gnomAD exomes 0.00002.

Submission:

Labcorp Genetics (formerly Invitae), Labcorp
Classification: Uncertain significance for Congenital brain dysgenesis due to glutamine synthetase deficiency. Last evaluated: 2024-10-08. Review status: criteria provided, single submitter. Criteria: Invitae Variant Classification Sherloc (09022015). Collection method: clinical testing. Allele origin: germline.
Comment: This sequence change replaces arginine, which is basic and polar, with cysteine, which is neutral and slightly polar, at codon 227 of the GLUL protein (p.Arg227Cys). This variant is present in population databases (rs759775484, gnomAD 0.003%). This variant has not been reported in the literature in individuals affected with GLUL-related conditions. ClinVar contains an entry for this variant (Variation ID: 1963505). Invitae Evidence Modeling of protein sequence and biophysical properties (such as structural, functional, and spatial information, amino acid conservation, physicochemical variation, residue mobility, and thermodynamic stability) indicates that this missense variant is expected to disrupt GLUL protein function with a positive predictive value of 80%. In summary, the available evidence is currently insufficient to determine the role of this variant in disease. Therefore, it has been classified as a Variant of Uncertain Significance.